The following is an entry in ClinVar:

ClinVar aggregate classification (germline): Uncertain significance. Review status: criteria provided, multiple submitters, no conflicts (2 of 4 stars). 2 submissions from 2 submitters: Uncertain significance (2). Last evaluated 2026-07-09.

Conditions:
Hereditary cancer-predisposing syndrome. Also called: Tumor predisposition; Hereditary Cancer Syndrome; Hereditary neoplastic syndrome; Neoplastic Syndromes, Hereditary. Identifiers: Orphanet 140162, MedGen C0027672, MeSH D009386, MONDO:0015356.

Submissions (2):

Ambry Genetics
Classification: Uncertain significance for Hereditary cancer-predisposing syndrome. Last evaluated: 2026-07-09. Review status: criteria provided, single submitter. Criteria: Ambry Variant Classification Scheme 2023. Collection method: clinical testing. Allele origin: germline.
Comment: The p.L1291P variant (also known as c.3872T>C), located in coding exon 19 of the MET gene, results from a T to C substitution at nucleotide position 3872. The leucine at codon 1291 is replaced by proline, an amino acid with similar properties. This amino acid position is highly conserved in available vertebrate species. In addition, this alteration is predicted to be deleterious by in silico analysis. Based on the available evidence, the clinical significance of this variant remains unclear.

GeneDx
Classification: Uncertain significance. Last evaluated: 2023-04-12. Review status: criteria provided, single submitter. Criteria: GeneDx Variant Classification Process June 2021. Collection method: clinical testing. Allele origin: germline. Affected: yes.
Comment: Not observed at significant frequency in large population cohorts (gnomAD); In silico analysis supports that this missense variant has a deleterious effect on protein structure/function; Has not been previously published as pathogenic or benign to our knowledge

NM_000245.4(MET):c.3818T>C (p.Leu1273Pro)

Gene: MET (MET proto-oncogene, receptor tyrosine kinase; plus strand). Cytogenetic location: 7q31.2.
Variant type: single nucleotide variant.
Coding change: c.3818T>C on transcript NM_000245.4 (MANE Select); coding-DNA position 3818, T replaced by C.
Protein change: p.Leu1273Pro; replaces leucine 1273 with proline.
Molecular consequence: missense variant.
Genome position (GRCh38, 1-based): chr7:116,795,674, T>C. VCF-style: chr7-116795674-T-C. GRCh37 (hg19) VCF-style: chr7-116435728-T-C.
Other names: c.3872T>C, p.Leu1291Pro (NM_001127500.3); c.2528T>C, p.Leu843Pro (NM_001324402.2); short protein forms L1273P, L1291P, L843P.
Identifiers: ClinVar variation 3343069 (VCV003343069.3).
Genomic context (GRCh38, chr7:116,795,674, plus strand): 5'-CACATCTCTCACCTCATCTGTCCTGTTTCTTGTTTTACTAGTGGTCCTTTGGCGTGCTCC[T>C]CTGGGAGCTGATGACAAGAGGAGCCCCACCTTATCCTGACGTAAACACCTTTGATATAAC-3'
Protein context (NP_000236.2, residues 1263-1283): KSDVWSFGVL[Leu1273Pro]WELMTRGAPP